The following is an entry in ClinVar:

ClinVar aggregate classification (germline): Conflicting classifications of pathogenicity. Review status: criteria provided, conflicting classifications (1 of 4 stars). 3 submissions from 3 submitters: Uncertain significance (2); Likely benign (1). Last evaluated 2025-07-14.

Conditions:
CREBBP-related disorder. Also called: CREBBP-related condition; CREBBP-related disorders.
Menke-Hennekam syndrome 1 (MKHK1). Identifiers: MedGen C5193034, MONDO:0020763, OMIM 618332.
Rubinstein-Taybi syndrome (RSTS). Identifiers: Orphanet 783, MedGen C0035934, MONDO:0019188.

Allele frequency attached by ClinVar (database versions not stated): ExAC 0.00001; gnomAD 0.00001; gnomAD exomes 0.00001; TOPMed 0.00001.
gnomAD v4.1: 14 of 1,613,148 alleles (0.00087%); highest among the groups gnomAD compares: Non-Finnish European, 0.0012%; no homozygotes.

Submissions (3):

PreventionGenetics, part of Exact Sciences
Classification: Likely benign for CREBBP-related condition. Last evaluated: 2025-07-14. Review status: criteria provided, single submitter. Criteria: ACMG Guidelines, 2015. Collection method: clinical testing. Allele origin: germline.
Comment: This variant is classified as likely benign based on ACMG/AMP sequence variant interpretation guidelines (Richards et al. 2015 PMID: 25741868, with internal and published modifications).

Labcorp Genetics (formerly Invitae), Labcorp
Classification: Uncertain significance for Rubinstein-Taybi syndrome. Last evaluated: 2024-05-08. Review status: criteria provided, single submitter. Criteria: Invitae Variant Classification Sherloc (09022015). Collection method: clinical testing. Allele origin: germline.
Comment: This sequence change falls in intron 7 of the CREBBP gene. It does not directly change the encoded amino acid sequence of the CREBBP protein. It affects a nucleotide within the consensus splice site. This variant is present in population databases (rs750833864, gnomAD 0.0009%). This variant has not been reported in the literature in individuals affected with CREBBP-related conditions. ClinVar contains an entry for this variant (Variation ID: 2429444). Variants that disrupt the consensus splice site are a relatively common cause of aberrant splicing (PMID: 17576681, 9536098). Algorithms developed to predict the effect of sequence changes on RNA splicing suggest that this variant is not likely to affect RNA splicing. In summary, the available evidence is currently insufficient to determine the role of this variant in disease. Therefore, it has been classified as a Variant of Uncertain Significance.

Department of Human Genetics, Hannover Medical School
Classification: Uncertain significance for Menke-Hennekam syndrome 1. Last evaluated: 2023-02-14. Review status: criteria provided, single submitter. Criteria: ACMG Guidelines, 2015. Collection method: clinical testing. Allele origin: germline. Affected: yes.
Comment: This variant is located in the region of the acceptor splice site. An in silico analysis of the variant showed no evidence of a change in the splice pattern. The variant is currently known neither in the ClinVar and LOVD variant databases nor in the literature. In the population database gnomAD it is listed only once heterozygous (allele frequency in the normal population: total 0.0004%, non-Finnish Europeans 0.0009%). There are currently too few data available for a conclusive assessment with regard to clinical relevance.

Literature cited by the submitters: PubMed 17576681 (cited by Labcorp Genetics (formerly Invitae), Labcorp); PubMed 9536098 (cited by Labcorp Genetics (formerly Invitae), Labcorp).

NM_004380.3(CREBBP):c.1677-3T>C

Gene: CREBBP (CREB binding lysine acetyltransferase; minus strand). Cytogenetic location: 16p13.3.
Variant type: single nucleotide variant.
Coding change: c.1677-3T>C on transcript NM_004380.3 (MANE Select); 3 bases into the intron before coding-DNA position 1677, T replaced by C.
Molecular consequence: intron variant.
Genome position (GRCh38, 1-based): chr16:3,780,881, A>G on the plus strand (T>C on the coding strand, the complement: CREBBP is on the minus strand). VCF-style: chr16-3780881-A-G. GRCh37 (hg19) VCF-style: chr16-3830882-A-G.
Other names: c.1677-3T>C (NM_004380.2); c.1563-3T>C (NM_001079846.1).
Identifiers: ClinVar variation 2429444 (VCV002429444.4), dbSNP rs750833864, ClinGen allele CA7870379.